The following is an entry in ClinVar:

NM_001267550.2(TTN):c.88272G>A (p.Glu29424=)

Genes: TTN-AS1 (TTN antisense RNA 1; plus strand), TTN (titin; minus strand). Cytogenetic location: 2q31.2.
Variant type: single nucleotide variant.
Coding change: c.88272G>A on transcript NM_001267550.2 (MANE Select); coding-DNA position 88272, G replaced by A.
Protein change: p.Glu29424=; no amino-acid change (glutamic acid 29424 retained).
Molecular consequence: synonymous variant.
Genome position (GRCh38, 1-based): chr2:178,556,882, C>T on the plus strand (G>A on the coding strand, the complement: TTN is on the minus strand). VCF-style: chr2-178556882-C-T. GRCh37 (hg19) VCF-style: chr2-179421609-C-T.
Other names: p.E26856E:GAG>GAA; p.Glu26856=; c.83349G>A, p.Glu27783= (NM_001256850.1); c.80568G>A, p.Glu26856= (NM_133378.4); c.61077G>A, p.Glu20359= (NM_003319.4); c.61452G>A, p.Glu20484= (NM_133432.3); c.61653G>A, p.Glu20551= (NM_133437.4).
Identifiers: ClinVar variation 47476 (VCV000047476.35), dbSNP rs9808036, ClinGen allele CA283990.

ClinVar aggregate classification (germline): Benign. Review status: criteria provided, multiple submitters, no conflicts (2 of 4 stars). 22 submissions from 15 submitters: Benign (18). 4 of the submissions do not count toward it. Last evaluated 2026-02-04.

Conditions:
Cardiovascular phenotype. Identifiers: MedGen CN230736.
Dilated cardiomyopathy 1G (CMD1G). Identifiers: Orphanet 154, MedGen C1858763, MONDO:0011400, OMIM 604145.
Autosomal recessive limb-girdle muscular dystrophy type 2J (LGMDR10). Also called: Limb-girdle muscular dystrophy, type 2J; MUSCULAR DYSTROPHY, LIMB-GIRDLE, AUTOSOMAL RECESSIVE 10. Identifiers: Orphanet 140922, MedGen C1837342, MONDO:0012127, OMIM 608807.
Early-onset myopathy with fatal cardiomyopathy (CMYO5). Also called: CONGENITAL MYOPATHY 5 WITH CARDIOMYOPATHY; Salih Myopathy. Identifiers: Orphanet 289377, MedGen C2673677, MONDO:0012714, OMIM 611705. Disease mechanism: loss of function.
Myopathy, myofibrillar, 9, with early respiratory failure (MFM9). Also called: MYOPATHY, PROXIMAL, WITH EARLY RESPIRATORY MUSCLE INVOLVEMENT; Myopathy, distal, with early respiratory failure, autosomal dominant; Hereditary myopathy with early respiratory failure; EDSTROM MYOPATHY. Identifiers: Orphanet 178464, Orphanet 34521, MedGen C1863599, MONDO:0011362, OMIM 603689.
Tibial muscular dystrophy (TMD). Also called: Tibial muscular dystrophy, tardive; UDD MYOPATHY; Udd Distal Myopathy – Tibial Muscular Dystrophy. Identifiers: Orphanet 609, MedGen C1838244, MONDO:0010870, OMIM 600334.

Allele frequency attached by ClinVar (database versions not stated): ESP Exome Variant Server 0.03145; TOPMed 0.04216; gnomAD 0.04549 and 0.05021; ExAC 0.07006; gnomAD exomes 0.07555; 1000 Genomes Project 30x 0.08354; 1000 Genomes Project 0.08427.
gnomAD v4.1: 74,626 of 1,613,688 alleles (4.6%); highest among the groups gnomAD compares: Admixed American, 18%; 3,490 homozygotes.

Submissions (22):

Labcorp Genetics (formerly Invitae), Labcorp
Classification: Benign for Dilated cardiomyopathy 1G; Autosomal recessive limb-girdle muscular dystrophy type 2J. Last evaluated: 2026-02-04. Review status: criteria provided, single submitter. Criteria: Invitae Variant Classification Sherloc (09022015). Collection method: clinical testing. Allele origin: germline.

Molecular Diagnostic Laboratory for Inherited Cardiovascular Disease, Montreal Heart Institute
Classification: Benign. Last evaluated: 2025-04-09. Review status: criteria provided, single submitter. Criteria: ACMG Guidelines, 2015. Collection method: clinical testing. Allele origin: germline. Affected: no.

Genome-Nilou Lab
Classification: Benign for Autosomal recessive limb-girdle muscular dystrophy type 2J. Last evaluated: 2021-09-10. Review status: criteria provided, single submitter. Criteria: ACMG Guidelines, 2015. Collection method: clinical testing. Allele origin: germline. Affected: no.

Genome-Nilou Lab
Classification: Benign for Myopathy, myofibrillar, 9, with early respiratory failure. Last evaluated: 2021-09-10. Review status: criteria provided, single submitter. Criteria: ACMG Guidelines, 2015. Collection method: clinical testing. Allele origin: germline. Affected: no.

Genome-Nilou Lab
Classification: Benign for Early-onset myopathy with fatal cardiomyopathy. Last evaluated: 2021-09-10. Review status: criteria provided, single submitter. Criteria: ACMG Guidelines, 2015. Collection method: clinical testing. Allele origin: germline. Affected: no.

Genome-Nilou Lab
Classification: Benign for Tibial muscular dystrophy. Last evaluated: 2021-09-10. Review status: criteria provided, single submitter. Criteria: ACMG Guidelines, 2015. Collection method: clinical testing. Allele origin: germline. Affected: no.

Women's Health and Genetics/Laboratory Corporation of America, LabCorp
Classification: Benign. Last evaluated: 2019-10-30. Review status: criteria provided, single submitter. Criteria: LabCorp Variant Classification Summary - May 2015. Collection method: clinical testing. Allele origin: germline.
Comment: Variant summary: TTN c.80568G>A results in a synonymous change. 5/5 computational tools predict no significant impact on normal splicing. However, these predictions have yet to be confirmed by functional studies. The variant allele was found at a frequency of 0.076 in 248364 control chromosomes, predominantly at a frequency of 0.19 within the Latino subpopulation in the gnomAD database, including 664 homozygotes. The observed variant frequency within Latino control individuals in the gnomAD database is approximately 304-folds over the estimated maximal expected allele frequency for a pathogenic variant in TTN causing Cardiomyopathy phenotype (0.00063), strongly suggesting that the variant is a benign polymorphism found primarily in populations of Latino origin. To our knowledge, no occurrence of c.80568G>A in individuals affected with Cardiomyopathy and no experimental evidence demonstrating its impact on protein function have been reported. A ClinVar submission (evaluation after 2014) cites the variant as likely benign. Based on the evidence outlined above, the variant was classified as benign.

Illumina Laboratory Services, Illumina
Classification: Benign for Myopathy, myofibrillar, 9, with early respiratory failure. Last evaluated: 2018-01-12. Review status: criteria provided, single submitter. Criteria: ICSL Variant Classification Criteria 13 December 2019. Collection method: clinical testing. Allele origin: germline.
Comment: This variant was observed in the ICSL laboratory as part of a predisposition screen in an ostensibly healthy population. It had not been previously curated by ICSL or reported in the Human Gene Mutation Database (HGMD: prior to June 1st, 2018), and was therefore a candidate for classification through an automated scoring system. Utilizing variant allele frequency, disease prevalence and penetrance estimates, and inheritance mode, an automated score was calculated to assess if this variant is too frequent to cause the disease. Based on the score and internal cut-off values, a variant classified as benign is not then subjected to further curation. The score for this variant resulted in a classification of benign for this disease.

Illumina Laboratory Services, Illumina
Classification: Benign for Dilated cardiomyopathy 1G. Last evaluated: 2018-01-12. Review status: criteria provided, single submitter. Criteria: ICSL Variant Classification Criteria 13 December 2019. Collection method: clinical testing. Allele origin: germline.
Comment: the same text as in the submission from Illumina Laboratory Services, Illumina above.

Illumina Laboratory Services, Illumina
Classification: Benign for Tibial muscular dystrophy. Last evaluated: 2018-01-12. Review status: criteria provided, single submitter. Criteria: ICSL Variant Classification Criteria 13 December 2019. Collection method: clinical testing. Allele origin: germline.
Comment: the same text as in the submission from Illumina Laboratory Services, Illumina above.

Illumina Laboratory Services, Illumina
Classification: Benign for Early-onset myopathy with fatal cardiomyopathy. Last evaluated: 2018-01-12. Review status: criteria provided, single submitter. Criteria: ICSL Variant Classification Criteria 13 December 2019. Collection method: clinical testing. Allele origin: germline.
Comment: the same text as in the submission from Illumina Laboratory Services, Illumina above.

Illumina Laboratory Services, Illumina
Classification: Benign for Autosomal recessive limb-girdle muscular dystrophy type 2J. Last evaluated: 2018-01-12. Review status: criteria provided, single submitter. Criteria: ICSL Variant Classification Criteria 13 December 2019. Collection method: clinical testing. Allele origin: germline.
Comment: the same text as in the submission from Illumina Laboratory Services, Illumina above.

Mayo Clinic Laboratories, Mayo Clinic
Classification: Benign. Last evaluated: 2017-08-24. Review status: criteria provided, single submitter. Criteria: ACMG Guidelines, 2015. Collection method: clinical testing. Allele origin: germline. Observed: 211 variant alleles.

Ambry Genetics
Classification: Benign for Cardiovascular phenotype. Last evaluated: 2013-01-14. Review status: criteria provided, single submitter. Criteria: Ambry Autosomal Dominant and X-Linked criteria (10/2015). Collection method: clinical testing. Allele origin: germline. Observed: 1 variant allele.

GeneDx
Classification: Benign. Last evaluated: 2012-10-16. Review status: criteria provided, single submitter. Criteria: GeneDx Variant Classification (06012015). Collection method: clinical testing. Allele origin: germline. Affected: yes.
Comment: This variant is considered likely benign or benign based on one or more of the following criteria: it is a conservative change, it occurs at a poorly conserved position in the protein, it is predicted to be benign by multiple in silico algorithms, and/or has population frequency not consistent with disease.

Laboratory for Molecular Medicine, Mass General Brigham Personalized Medicine
Classification: Benign. Last evaluated: 2011-09-27. Review status: criteria provided, single submitter. Criteria: LMM Criteria. Collection method: clinical testing. Allele origin: germline. Observed: 184 variant alleles.

Breakthrough Genomics
Classification: Benign. Review status: criteria provided, single submitter. Criteria: ACMG Guidelines, 2015. Collection method: not provided. Allele origin: germline. Inheritance: Autosomal recessive inheritance. Affected: yes.

PreventionGenetics, part of Exact Sciences
Classification: Benign. Review status: criteria provided, single submitter. Criteria: ACMG Guidelines, 2015. Collection method: clinical testing. Allele origin: germline.

Clinical Genetics, Academic Medical Center
Classification: Benign. Review status: no assertion criteria provided. Collection method: clinical testing. Allele origin: germline. Affected: yes. Study: VKGL Data-share Consensus. Not counted in ClinVar's aggregate classification.

Genetic Services Laboratory, University of Chicago
Classification: Likely benign for AllHighlyPenetrant. Review status: no assertion criteria provided. Collection method: clinical testing. Allele origin: germline. Not counted in ClinVar's aggregate classification.
Comment: Likely benign based on allele frequency in 1000 Genomes Project or ESP global frequency and its presence in a patient with a rare or unrelated disease phenotype. NOT Sanger confirmed.

Genome Diagnostics Laboratory, University Medical Center Utrecht
Classification: Benign. Review status: no assertion criteria provided. Collection method: clinical testing. Allele origin: germline. Affected: yes. Study: VKGL Data-share Consensus. Not counted in ClinVar's aggregate classification.

Joint Genome Diagnostic Labs from Nijmegen and Maastricht, Radboudumc and MUMC+
Classification: Benign. Review status: no assertion criteria provided. Collection method: clinical testing. Allele origin: germline. Affected: yes. Study: VKGL Data-share Consensus. Not counted in ClinVar's aggregate classification.